The following is an entry in ClinVar:

NM_002430.3(MN1):c.3064C>T (p.Pro1022Ser)

Gene: MN1 (MN1 proto-oncogene, transcriptional regulator; minus strand). Cytogenetic location: 22q12.1.
Variant type: single nucleotide variant.
Coding change: c.3064C>T on transcript NM_002430.3 (MANE Select); coding-DNA position 3064, C replaced by T.
Protein change: p.Pro1022Ser; replaces proline 1022 with serine.
Molecular consequence: missense variant.
Genome position (GRCh38, 1-based): chr22:27,797,480, G>A on the plus strand (C>T on the coding strand, the complement: MN1 is on the minus strand). VCF-style: chr22-27797480-G-A. GRCh37 (hg19) VCF-style: chr22-28193468-G-A.
Other names: short protein forms P1022S.
Identifiers: ClinVar variation 2630892 (VCV002630892.1), dbSNP rs2517770553, ClinGen allele CA411043611.
Genomic context (GRCh38, chr22:27,797,480, plus strand): 5'-CCACGTTTGGCGAACTACTGTCCGACTTGGCCCCGCCGTCCAGGGACCCAATGAGGTCCG[G>A]CTGATCCCCCAGGAGCAACTCAGCCCCCTTCCCCCAGGATGGCGACGTGAGCGCCTTTTC-3'
Protein context (NP_002421.3, residues 1012-1032): KGAELLLGDQ[Pro1022Ser]DLIGSLDGGA

ClinVar aggregate classification (germline): Uncertain significance (1 of 4 stars; one submission).

Conditions:
MN1-related disorder. Also called: MN1-related condition.

Submission:

PreventionGenetics, part of Exact Sciences
Classification: Uncertain significance for MN1-related condition. Last evaluated: 2023-09-19. Review status: criteria provided, single submitter. Criteria: ACMG Guidelines, 2015. Collection method: clinical testing. Allele origin: germline.
Comment: The MN1 c.3064C>T variant is predicted to result in the amino acid substitution p.Pro1022Ser. To our knowledge, this variant has not been reported in the literature or in a large population database, indicating this variant is rare. At this time, the clinical significance of this variant is uncertain due to the absence of conclusive functional and genetic evidence.